The following is an entry in ClinVar:

NM_014694.4(ADAMTSL2):c.101C>A (p.Pro34Gln)

Gene: ADAMTSL2 (ADAMTS like 2; plus strand). Cytogenetic location: 9q34.2.
Variant type: single nucleotide variant.
Coding change: c.101C>A on transcript NM_014694.4 (MANE Select); coding-DNA position 101, C replaced by A.
Protein change: p.Pro34Gln; replaces proline 34 with glutamine.
Molecular consequence: missense variant.
Genome position (GRCh38, 1-based): chr9:133,537,415, C>A. VCF-style: chr9-133537415-C-A. GRCh37 (hg19) VCF-style: chr9-136402537-C-A.
Other names: c.101C>A, p.Pro34Gln (NM_001145320.2); short protein forms P34Q.
Identifiers: ClinVar variation 3054346 (VCV003054346.3), dbSNP rs201637141, ClinGen allele CA5312483.
Genomic context (GRCh38, chr9:133,537,415, plus strand): 5'-TCCTCCTGGGCACTTGAGCCCTCTACCATCTGGGGGTCCCTCTCACCCAGGACAACAGCC[C>A]AACATCCAATAGCCTGGAGGGGGGCACCGACGCCACGGCCTTCTGGTGGGGGGAGTGGAC-3'
Protein context (NP_055509.2, residues 24-44): TVSTGSTDNS[Pro34Gln]TSNSLEGGTD

ClinVar aggregate classification (germline): Uncertain significance. Review status: criteria provided, single submitter (1 of 4 stars). 2 submissions from 2 submitters: Uncertain significance (1). 1 of the submissions does not count toward it. Last evaluated 2025-03-26.

Conditions:
Inborn genetic diseases. Identifiers: MedGen C0950123, MeSH D030342.
ADAMTSL2-related disorder. Also called: ADAMTSL2-related condition.

Allele frequency attached by ClinVar (database versions not stated): TOPMed 0.00002.
gnomAD v4.1: 41 of 1,342,012 alleles (0.0031%); highest among the groups gnomAD compares: Non-Finnish European, 0.0039%; no homozygotes.

Submissions (2):

Ambry Genetics
Classification: Uncertain significance for Inborn genetic diseases. Last evaluated: 2025-03-26. Review status: criteria provided, single submitter. Criteria: Ambry Variant Classification Scheme 2023. Collection method: clinical testing. Allele origin: germline.

PreventionGenetics, part of Exact Sciences
Classification: Uncertain significance for ADAMTSL2-related condition. Last evaluated: 2023-11-10. Review status: no assertion criteria provided. Collection method: clinical testing. Allele origin: germline. Not counted in ClinVar's aggregate classification.
Comment: The ADAMTSL2 c.101C>A variant is predicted to result in the amino acid substitution p.Pro34Gln. To our knowledge, this variant has not been reported in the literature. This variant is reported in 0.0015% of alleles in individuals of European (Non-Finnish) descent in gnomAD. At this time, the clinical significance of this variant is uncertain due to the absence of conclusive functional and genetic evidence.